The following is an entry in ClinVar:

ClinVar aggregate classification (germline): Uncertain significance (1 of 4 stars; one submission).

gnomAD v4.1: 18 of 1,613,928 alleles (0.0011%); highest among the groups gnomAD compares: East Asian, 0.038%; no homozygotes.

Submission:

Labcorp Genetics (formerly Invitae), Labcorp
Classification: Uncertain significance. Last evaluated: 2024-12-09. Review status: criteria provided, single submitter. Criteria: Invitae Variant Classification Sherloc (09022015). Collection method: clinical testing. Allele origin: germline.
Comment: This sequence change replaces aspartic acid, which is acidic and polar, with glutamic acid, which is acidic and polar, at codon 678 of the C2CD3 protein (p.Asp678Glu). This variant is present in population databases (rs202199928, gnomAD 0.07%). This variant has not been reported in the literature in individuals affected with C2CD3-related conditions. Invitae Evidence Modeling of protein sequence and biophysical properties (such as structural, functional, and spatial information, amino acid conservation, physicochemical variation, residue mobility, and thermodynamic stability) indicates that this missense variant is not expected to disrupt C2CD3 protein function with a negative predictive value of 80%. In summary, the available evidence is currently insufficient to determine the role of this variant in disease. Therefore, it has been classified as a Variant of Uncertain Significance.

NM_001286577.2(C2CD3):c.2034T>G (p.Asp678Glu)

Gene: C2CD3 (C2 domain containing 3 centriole elongation regulator; minus strand). Cytogenetic location: 11q13.4.
Variant type: single nucleotide variant.
Coding change: c.2034T>G on transcript NM_001286577.2 (MANE Select); coding-DNA position 2034, T replaced by G.
Protein change: p.Asp678Glu; replaces aspartic acid 678 with glutamic acid.
Molecular consequence: missense variant.
Genome position (GRCh38, 1-based): chr11:74,106,422, A>C on the plus strand (T>G on the coding strand, the complement: C2CD3 is on the minus strand). VCF-style: chr11-74106422-A-C. GRCh37 (hg19) VCF-style: chr11-73817467-A-C.
Other names: c.2034T>G, p.Asp678Glu (NM_015531.6); short protein forms D678E.
Identifiers: ClinVar variation 3607075 (VCV003607075.2).
Genomic context (GRCh38, chr11:74,106,422, plus strand): 5'-TCTACATACCTTGAGGGGGCCAAATGGAGACTGACCATTTTCTTGTTGCACTGGAAGCTG[A>C]TCACTGAAAGAAAGCAGCTCTGATTGAATGACAGCTCGCAAAGAAAGTGACACAGATCCA-3'
Protein context (NP_001273506.1, residues 668-688): VIQSELLSFS[Asp678Glu]QLPVQQENGQ